The following is an entry in ClinVar:

NM_025114.4(CEP290):c.6572A>G (p.His2191Arg)

Gene: CEP290 (centrosomal protein 290; minus strand). Cytogenetic location: 12q21.32.
Variant type: single nucleotide variant.
Coding change: c.6572A>G on transcript NM_025114.4 (MANE Select); coding-DNA position 6572, A replaced by G.
Protein change: p.His2191Arg; replaces histidine 2191 with arginine.
Molecular consequence: missense variant.
Genome position (GRCh38, 1-based): chr12:88,059,971, T>C on the plus strand (A>G on the coding strand, the complement: CEP290 is on the minus strand). VCF-style: chr12-88059971-T-C. GRCh37 (hg19) VCF-style: chr12-88453748-T-C.
Other names: c.6572A>G (NM_025114.3); short protein forms H2191R.
Identifiers: ClinVar variation 1437256 (VCV001437256.6), dbSNP rs368428115, ClinGen allele CA6711471.

ClinVar aggregate classification (germline): Uncertain significance. Review status: criteria provided, multiple submitters, no conflicts (2 of 4 stars). 2 submissions from 2 submitters: Uncertain significance (2). Last evaluated 2024-12-19.

Conditions:
CEP290-related disorder. Also called: CEP290-related condition; CEP290-related disorders. Identifiers: MedGen CN239314.
Nephronophthisis. Also called: Juvenile Nephronophthisis. Identifiers: Orphanet 655, MedGen C0687120, MONDO:0019005, HP:0000090.
Meckel-Gruber syndrome. Also called: DYSENCEPHALIA SPLANCHNOCYSTICA; GRUBER SYNDROME; Dysencephalia splachnocystica. Identifiers: Orphanet 564, MedGen C0265215, MONDO:0018921.
Joubert syndrome. Also called: JOUBERT-BOLTSHAUSER SYNDROME; Familial aplasia of the vermis. Identifiers: Orphanet 475, MedGen C5979921, MONDO:0018772.

gnomAD v4.1: 2 of 1,587,194 alleles (0.00013%); highest among the groups gnomAD compares: Non-Finnish European, 0.00017%; no homozygotes.

Submissions (2):

PreventionGenetics, part of Exact Sciences
Classification: Uncertain significance for CEP290-related condition. Last evaluated: 2024-12-19. Review status: criteria provided, single submitter. Criteria: ACMG Guidelines, 2015. Collection method: clinical testing. Allele origin: germline.
Comment: The CEP290 c.6572A>G variant is predicted to result in the amino acid substitution p.His2191Arg. To our knowledge, this variant has not been reported in the literature. This variant is reported in 0.0011% of alleles in individuals of European (Non-Finnish) descent in gnomAD. At this time, the clinical significance of this variant is uncertain due to the absence of conclusive functional and genetic evidence.

Labcorp Genetics (formerly Invitae), Labcorp
Classification: Uncertain significance for Joubert syndrome; Meckel-Gruber syndrome; Nephronophthisis. Last evaluated: 2024-02-24. Review status: criteria provided, single submitter. Criteria: Invitae Variant Classification Sherloc (09022015). Collection method: clinical testing. Allele origin: germline.
Comment: This sequence change replaces histidine, which is basic and polar, with arginine, which is basic and polar, at codon 2191 of the CEP290 protein (p.His2191Arg). The frequency data for this variant in the population databases is considered unreliable, as metrics indicate poor data quality at this position in the gnomAD database. This variant has not been reported in the literature in individuals affected with CEP290-related conditions. ClinVar contains an entry for this variant (Variation ID: 1437256). Advanced modeling of protein sequence and biophysical properties (such as structural, functional, and spatial information, amino acid conservation, physicochemical variation, residue mobility, and thermodynamic stability) performed at Invitae indicates that this missense variant is not expected to disrupt CEP290 protein function with a negative predictive value of 80%. In summary, the available evidence is currently insufficient to determine the role of this variant in disease. Therefore, it has been classified as a Variant of Uncertain Significance.